The following is an entry in ClinVar:

ClinVar aggregate classification (germline): Uncertain significance. Review status: criteria provided, multiple submitters, no conflicts (2 of 4 stars). 2 submissions from 2 submitters: Uncertain significance (2). Last evaluated 2026-08-01.

Allele frequency attached by ClinVar (database versions not stated): TOPMed below 0.00001; gnomAD 0.00001; gnomAD exomes 0.00001; ExAC 0.00002; 1000 Genomes Project 30x 0.00016.
gnomAD v4.1: 14 of 1,612,900 alleles (0.00087%); highest among the groups gnomAD compares: Middle Eastern, 0.066%; no homozygotes.

Submissions (2):

CeGaT Center for Human Genetics Tuebingen
Classification: Uncertain significance. Last evaluated: 2026-08-01. Review status: criteria provided, single submitter. Criteria: CeGaT Center For Human Genetics Tuebingen Variant Classification Criteria Version 2. Collection method: clinical testing. Allele origin: germline. Affected: yes. Observed: 1 variant allele.
Comment: TBXAS1: PM2

Labcorp Genetics (formerly Invitae), Labcorp
Classification: Uncertain significance. Last evaluated: 2022-02-04. Review status: criteria provided, single submitter. Criteria: Invitae Variant Classification Sherloc (09022015). Collection method: clinical testing. Allele origin: germline.
Comment: This sequence change replaces arginine, which is basic and polar, with cysteine, which is neutral and slightly polar, at codon 534 of the TBXAS1 protein (p.Arg534Cys). This variant is present in population databases (rs201159138, gnomAD 0.007%). This variant has not been reported in the literature in individuals affected with TBXAS1-related conditions. Algorithms developed to predict the effect of missense changes on protein structure and function are either unavailable or do not agree on the potential impact of this missense change (SIFT: "Deleterious"; PolyPhen-2: "Probably Damaging"; Align-GVGD: "Class C0"). In summary, the available evidence is currently insufficient to determine the role of this variant in disease. Therefore, it has been classified as a Variant of Uncertain Significance.

NM_001061.7(TBXAS1):c.1597C>T (p.Arg533Cys)

Gene: TBXAS1 (thromboxane A synthase 1; plus strand). Cytogenetic location: 7q34.
Variant type: single nucleotide variant.
Coding change: c.1597C>T on transcript NM_001061.7 (MANE Select); coding-DNA position 1597, C replaced by T.
Protein change: p.Arg533Cys; replaces arginine 533 with cysteine.
Molecular consequence: missense variant. On other transcripts: 3 prime UTR variant (1).
Genome position (GRCh38, 1-based): chr7:140,020,094, C>T. VCF-style: chr7-140020094-C-T. GRCh37 (hg19) VCF-style: chr7-139719894-C-T.
Other names: c.1597C>T, p.Arg533Cys (NM_001130966.5); c.1735C>T, p.Arg579Cys (NM_001166253.4); c.1396C>T, p.Arg466Cys (NM_001166254.4); c.1540C>T, p.Arg514Cys (NM_001314028.4); c.1414C>T, p.Arg472Cys (NM_001366537.3); c.*54C>T (NM_030984.6); short protein forms R534C, R580C, R466C, R514C, R533C, R579C, R472C.
Identifiers: ClinVar variation 2044887 (VCV002044887.2), dbSNP rs201159138, ClinGen allele CA4512112.